The following is an entry in ClinVar:

ClinVar aggregate classification (germline): Uncertain significance (1 of 4 stars; one submission).

Submission:

Labcorp Genetics (formerly Invitae), Labcorp
Classification: Uncertain significance. Last evaluated: 2024-12-16. Review status: criteria provided, single submitter. Criteria: Invitae Variant Classification Sherloc (09022015). Collection method: clinical testing. Allele origin: germline.
Comment: This sequence change falls in intron 9 of the ACE gene. It does not directly change the encoded amino acid sequence of the ACE protein. Information on the frequency of this variant in the gnomAD database is not available, as this variant may be reported differently in the database. This variant has not been reported in the literature in individuals affected with ACE-related conditions. ClinVar contains an entry for this variant (Variation ID: 2190291). Experimental studies and prediction algorithms are not available or were not evaluated, and the effect of this variant on mRNA splicing is currently unknown. In summary, the available evidence is currently insufficient to determine the role of this variant in disease. Therefore, it has been classified as a Variant of Uncertain Significance.

NM_000789.4(ACE):c.1487+9_1487+11delinsGAA

Gene: ACE (angiotensin I converting enzyme; plus strand). Cytogenetic location: 17q23.3.
Variant type: Indel.
Coding change: c.1487+9_1487+11delinsGAA on transcript NM_000789.4 (MANE Select); bases 9 to 11 of the intron after coding-DNA position 1487, AGG replaced by GAA.
Molecular consequence: intron variant.
Genome position (GRCh38, 1-based): chr17:63,483,182-63,483,184, AGG replaced by GAA. VCF-style: chr17-63483182-AGG-GAA. GRCh37 (hg19) VCF-style: chr17-61560543-AGG-GAA.
Other names: c.635+9_635+11delinsGAA (NM_001382701.1); c.920+9_920+11delinsGAA (NM_001382700.1).
Identifiers: ClinVar variation 2190291 (VCV002190291.2), dbSNP rs2510689608, ClinGen allele CA2580094557.